The following is an entry in ClinVar:

ClinVar aggregate classification (germline): Conflicting classifications of pathogenicity. Review status: criteria provided, conflicting classifications (1 of 4 stars). 3 submissions from 3 submitters: Uncertain significance (1); Benign (1). 1 of the submissions does not count toward it. Last evaluated 2026-08-20.

Conditions:
Nemaline myopathy 2 (NEM2). Also called: Nemaline myopathy 2, autosomal recessive. Identifiers: MedGen C1850569, MONDO:0009725, OMIM 256030.

Allele frequency attached by ClinVar (database versions not stated): gnomAD exomes 0.00005 and 0.00011; TOPMed 0.00006; gnomAD 0.00007; ExAC 0.00015.
gnomAD v4.1: 84 of 1,613,804 alleles (0.0052%); highest among the groups gnomAD compares: South Asian, 0.022%; no homozygotes.

Submissions (3):

GeneDx
Classification: Uncertain significance. Last evaluated: 2026-08-20. Review status: criteria provided, single submitter. Criteria: GeneDx Variant Classification Process June 2021. Collection method: clinical testing. Allele origin: germline.
Comment: In silico analysis supports that this missense variant has a deleterious effect on protein structure/function; Has not been previously published as pathogenic or benign to our knowledge

Labcorp Genetics (formerly Invitae), Labcorp
Classification: Benign for Nemaline myopathy 2. Last evaluated: 2026-01-28. Review status: criteria provided, single submitter. Criteria: Invitae Variant Classification Sherloc (09022015). Collection method: clinical testing. Allele origin: germline.

Natera, Inc.
Classification: Uncertain significance for Nemaline myopathy type 2. Last evaluated: 2020-03-17. Review status: no assertion criteria provided. Collection method: clinical testing. Allele origin: germline. Not counted in ClinVar's aggregate classification.

NM_001164508.2(NEB):c.22004C>T (p.Thr7335Met)

Genes: RIF1 (replication timing regulatory factor 1; plus strand), NEB (nebulin; minus strand). Cytogenetic location: 2q23.3.
Variant type: single nucleotide variant.
Coding change: c.22004C>T on transcript NM_001164508.2 (MANE Select); coding-DNA position 22004, C replaced by T.
Protein change: p.Thr7335Met; replaces threonine 7335 with methionine.
Molecular consequence: missense variant.
Genome position (GRCh38, 1-based): chr2:151,526,204, G>A on the plus strand (C>T on the coding strand, the complement: NEB is on the minus strand). VCF-style: chr2-151526204-G-A. GRCh37 (hg19) VCF-style: chr2-152382718-G-A.
Other names: c.22004C>T, p.Thr7335Met (NM_001164507.2); c.22109C>T, p.Thr7370Met (NM_001271208.2); c.16901C>T, p.Thr5634Met (NM_004543.5); short protein forms T7370M, T5634M, T7335M.
Identifiers: ClinVar variation 452689 (VCV000452689.10), dbSNP rs767584361, ClinGen allele CA1906809.